The following is an entry in ClinVar:

NM_130468.4(CHST14):c.996C>T (p.Ser332=)

Gene: CHST14 (carbohydrate sulfotransferase 14; plus strand). Cytogenetic location: 15q15.1.
Variant type: single nucleotide variant.
Coding change: c.996C>T on transcript NM_130468.4 (MANE Select); coding-DNA position 996, C replaced by T.
Protein change: p.Ser332=; no amino-acid change (serine 332 retained).
Molecular consequence: synonymous variant.
Genome position (GRCh38, 1-based): chr15:40,472,209, C>T. VCF-style: chr15-40472209-C-T. GRCh37 (hg19) VCF-style: chr15-40764408-C-T.
Identifiers: ClinVar variation 3727579 (VCV003727579.2).
Genomic context (GRCh38, chr15:40,472,209, plus strand): 5'-GGTACGGGCACCACCTCACGTCCGATTTCCAGCTCGCCAGGCCTGGTACCGGCCAGCCAG[C>T]CCCGAAAGCCTGCATTACCACTTGTGCAGTGCCCCCCGGGCCCTGCTGCAGGATGTGCTG-3'
Protein context (NP_569735.1, residues 322-342): PARQAWYRPA[Ser332=]PESLHYHLCS

ClinVar aggregate classification (germline): Uncertain significance (1 of 4 stars; one submission).

Conditions:
Ehlers-Danlos syndrome, musculocontractural type (EDSMC). Also called: Adducted thumb, clubfoot, progressive joint and skin laxity syndrome; DUNDAR SYNDROME; ARTHROGRYPOSIS, DISTAL, WITH PECULIAR FACIES AND HYDRONEPHROSIS; ADDUCTED THUMB-CLUBFOOT SYNDROME. Identifiers: Orphanet 2953, MedGen C1866294, MONDO:0011142.

Submission:

Labcorp Genetics (formerly Invitae), Labcorp
Classification: Uncertain significance for Ehlers-Danlos syndrome, musculocontractural type. Last evaluated: 2024-03-08. Review status: criteria provided, single submitter. Criteria: Invitae Variant Classification Sherloc (09022015). Collection method: clinical testing. Allele origin: germline.
Comment: This sequence change affects codon 332 of the CHST14 mRNA. It is a 'silent' change, meaning that it does not change the encoded amino acid sequence of the CHST14 protein. This variant is not present in population databases (gnomAD no frequency). This variant has not been reported in the literature in individuals affected with CHST14-related conditions. In summary, the available evidence is currently insufficient to determine the role of this variant in disease. Therefore, it has been classified as a Variant of Uncertain Significance.